The following is an entry in ClinVar:

ClinVar aggregate classification (germline): Uncertain significance. Review status: criteria provided, multiple submitters, no conflicts (2 of 4 stars). 4 submissions from 4 submitters: Uncertain significance (4). Last evaluated 2025-12-10.

Conditions:
BBS2-related disorder. Also called: BBS2-related condition; BBS2-related disorders. Identifiers: MedGen CN239228.
Bardet-Biedl syndrome (BBS). Identifiers: Orphanet 110, MedGen C0752166, MONDO:0015229.
Retinitis pigmentosa 74 (RP74). Identifiers: Orphanet 791, MedGen C4225281, MONDO:0014692, OMIM 616562.
Bardet-Biedl syndrome 2 (BBS2). Identifiers: Orphanet 110, MedGen C2936863, MONDO:0014432, OMIM 615981.

Allele frequency attached by ClinVar (database versions not stated): gnomAD 0.00001; TOPMed 0.00002.

Submissions (4):

PreventionGenetics, part of Exact Sciences
Classification: Uncertain significance for BBS2-related condition. Last evaluated: 2025-12-10. Review status: criteria provided, single submitter. Criteria: ACMG Guidelines, 2015. Collection method: clinical testing. Allele origin: germline.
Comment: The BBS2 c.719C>T variant is predicted to result in the amino acid substitution p.Ser240Leu. To our knowledge, this variant has not been reported in the literature. This variant is reported in 0.012% of alleles in individuals of African descent in gnomAD. At this time, the clinical significance of this variant is uncertain due to the absence of conclusive functional and genetic evidence.

Fulgent Genetics
Classification: Uncertain significance for Bardet-Biedl syndrome 2; Retinitis pigmentosa 74. Last evaluated: 2024-04-20. Review status: criteria provided, single submitter. Criteria: ACMG Guidelines, 2015. Collection method: clinical testing. Allele origin: germline.

Blueprint Genetics
Classification: Uncertain significance. Last evaluated: 2022-06-16. Review status: criteria provided, single submitter. Criteria: ACMG Guidelines, 2015. Collection method: clinical testing. Allele origin: germline.

Labcorp Genetics (formerly Invitae), Labcorp
Classification: Uncertain significance for Bardet-Biedl syndrome. Last evaluated: 2022-02-24. Review status: criteria provided, single submitter. Criteria: Invitae Variant Classification Sherloc (09022015). Collection method: clinical testing. Allele origin: germline.
Comment: This sequence change replaces serine, which is neutral and polar, with leucine, which is neutral and non-polar, at codon 240 of the BBS2 protein (p.Ser240Leu). This variant is present in population databases (rs778179694, gnomAD 0.007%). This variant has not been reported in the literature in individuals affected with BBS2-related conditions. Algorithms developed to predict the effect of missense changes on protein structure and function (SIFT, PolyPhen-2, Align-GVGD) all suggest that this variant is likely to be disruptive. In summary, the available evidence is currently insufficient to determine the role of this variant in disease. Therefore, it has been classified as a Variant of Uncertain Significance.

NM_031885.5(BBS2):c.719C>T (p.Ser240Leu)

Gene: BBS2 (Bardet-Biedl syndrome 2; minus strand). Cytogenetic location: 16q13.
Variant type: single nucleotide variant.
Coding change: c.719C>T on transcript NM_031885.5 (MANE Select); coding-DNA position 719, C replaced by T.
Protein change: p.Ser240Leu; replaces serine 240 with leucine.
Molecular consequence: missense variant. On other transcripts: non-coding transcript variant (5).
Genome position (GRCh38, 1-based): chr16:56,506,035, G>A on the plus strand (C>T on the coding strand, the complement: BBS2 is on the minus strand). VCF-style: chr16-56506035-G-A. GRCh37 (hg19) VCF-style: chr16-56539947-G-A.
Other names: c.719C>T, p.Ser240Leu (NM_001377456.1); c.719C>T (NM_031885.3); short protein forms S240L.
Identifiers: ClinVar variation 2415726 (VCV002415726.7), dbSNP rs778179694, ClinGen allele CA8065942.